The following is an entry in ClinVar:

NM_001365276.2(TNXB):c.2385A>G (p.Thr795=)

Gene: TNXB (tenascin XB; minus strand). Cytogenetic location: 6p21.33.
Variant type: single nucleotide variant.
Coding change: c.2385A>G on transcript NM_001365276.2 (MANE Select); coding-DNA position 2385, A replaced by G.
Protein change: p.Thr795=; no amino-acid change (threonine 795 retained).
Molecular consequence: synonymous variant.
Genome position (GRCh38, 1-based): chr6:32,089,353, T>C on the plus strand (A>G on the coding strand, the complement: TNXB is on the minus strand). VCF-style: chr6-32089353-T-C. GRCh37 (hg19) VCF-style: chr6-32057130-T-C.
Other names: p.Thr795=; c.2385A>G, p.Thr795= (NM_019105.8).
Identifiers: ClinVar variation 1211473 (VCV001211473.29), dbSNP rs185461070, ClinGen allele CA3735493.

ClinVar aggregate classification (germline): Benign/Likely benign. Review status: criteria provided, multiple submitters, no conflicts (2 of 4 stars). 8 submissions from 8 submitters: Benign (1); Likely benign (7). Last evaluated 2026-01-31.

Conditions:
Cardiovascular phenotype. Identifiers: MedGen CN230736.
Vesicoureteral reflux 8 (VUR8). Identifiers: Orphanet 289365, MedGen C4014831, MONDO:0014422, OMIM 615963.
Ehlers-Danlos syndrome due to tenascin-X deficiency (EDSCLL1). Also called: TNX DEFICIENCY; EHLERS-DANLOS SYNDROME, CLASSIC-LIKE; Ehlers-Danlos syndrome, classic-like, 1; TNXB-Related Classical-Like Ehlers-Danlos Syndrome; EDS DUE TO TNX DEFICIENCY. Identifiers: Orphanet 230839, MedGen C1848029, MONDO:0011670, OMIM 606408.

Allele frequency attached by ClinVar (database versions not stated): ESP Exome Variant Server 0.00270; gnomAD 0.00283 and 0.00300; 1000 Genomes Project 0.00379; 1000 Genomes Project 30x 0.00437.
gnomAD v4.1: 889 of 1,608,150 alleles (0.055%); highest among the groups gnomAD compares: African/African-American, 0.96%; 5 homozygotes.

Submissions (8):

Labcorp Genetics (formerly Invitae), Labcorp
Classification: Benign. Last evaluated: 2026-01-31. Review status: criteria provided, single submitter. Criteria: Invitae Variant Classification Sherloc (09022015). Collection method: clinical testing. Allele origin: germline.

Women's Health and Genetics/Laboratory Corporation of America, LabCorp
Classification: Likely benign. Last evaluated: 2026-01-22. Review status: criteria provided, single submitter. Criteria: LabCorp Variant Classification Summary - May 2015. Collection method: clinical testing. Allele origin: germline.

Mayo Clinic Laboratories, Mayo Clinic
Classification: Likely benign. Last evaluated: 2025-09-10. Review status: criteria provided, single submitter. Criteria: ACMG Guidelines, 2015. Collection method: clinical testing. Allele origin: germline. Observed: 3 variant alleles.
Comment: BS1, BP4, BP7

Blueprint Genetics
Classification: Likely benign. Last evaluated: 2024-09-02. Review status: criteria provided, single submitter. Criteria: ACMG Guidelines, 2015. Collection method: clinical testing. Allele origin: germline.

CeGaT Center for Human Genetics Tuebingen
Classification: Likely benign. Last evaluated: 2024-05-01. Review status: criteria provided, single submitter. Criteria: CeGaT Center For Human Genetics Tuebingen Variant Classification Criteria Version 2. Collection method: clinical testing. Allele origin: germline. Affected: yes. Observed: 1 variant allele.
Comment: TNXB: BP4, BP7, BS2

Fulgent Genetics
Classification: Likely benign for Ehlers-Danlos syndrome due to tenascin-X deficiency; Vesicoureteral reflux 8. Last evaluated: 2022-01-28. Review status: criteria provided, single submitter. Criteria: ACMG Guidelines, 2015. Collection method: clinical testing. Allele origin: unknown.

Ambry Genetics
Classification: Likely benign for Cardiovascular phenotype. Last evaluated: 2020-10-27. Review status: criteria provided, single submitter. Criteria: Ambry Variant Classification Scheme 2023. Collection method: clinical testing. Allele origin: germline.

GeneDx
Classification: Likely benign. Last evaluated: 2020-09-25. Review status: criteria provided, single submitter. Criteria: GeneDx Variant Classification Process June 2021. Collection method: clinical testing. Allele origin: germline. Affected: yes.